The following is an entry in ClinVar:

ClinVar aggregate classification (germline): Pathogenic (1 of 4 stars; one submission).

Conditions:
Telangiectasia, hereditary hemorrhagic, type 2 (HHT2). Also called: Telangiectasia, hereditary hemorrhagic, type II; ACVRL1-Related Hereditary Hemorrhagic Telangiectasia. Identifiers: Orphanet 774, MedGen C1838163, MONDO:0010880, OMIM 600376. Disease mechanism: loss of function.

Submission:

Labcorp Genetics (formerly Invitae), Labcorp
Classification: Pathogenic for Telangiectasia, hereditary hemorrhagic, type 2. Last evaluated: 2025-10-28. Review status: criteria provided, single submitter. Criteria: Invitae Variant Classification Sherloc (09022015). Collection method: clinical testing. Allele origin: germline.
Comment: This sequence change creates a premature translational stop signal (p.Gln64Argfs*58) in the ACVRL1 gene. It is expected to result in an absent or disrupted protein product. Loss-of-function variants in ACVRL1 are known to be pathogenic (PMID: 15879500). This variant is not present in population databases (gnomAD no frequency). This premature translational stop signal has been observed in individual(s) with hereditary hemorrhagic telangiectasia (PMID: 16752392). For these reasons, this variant has been classified as Pathogenic.

Literature cited by the submitters: PubMed 15879500; PubMed 16752392.

NM_000020.3(ACVRL1):c.191del (p.Gln64fs)

Gene: ACVRL1 (activin A receptor like type 1; plus strand). Cytogenetic location: 12q13.13.
Variant type: Deletion.
Coding change: c.191del on transcript NM_000020.3 (MANE Select); coding-DNA position 191, one base deleted (A; older notation c.191delA).
Protein change: p.Gln64fs; shifts the reading frame from glutamine 64.
Molecular consequence: frameshift variant. On other transcripts: intron variant (1).
Genome position (GRCh38, 1-based): chr12:51,913,228, A deleted. VCF-style (leftmost placement, unchanged base first): chr12-51913227-CA-C. GRCh37 (hg19) VCF-style: chr12-52307011-CA-C.
Other names: c.191del, p.Gln64fs (NM_001406487.1, NM_001406488.1, NM_001406489.1 and 6 more transcripts); c.61+693del (NM_001406495.1); short protein forms Q64fs.
Identifiers: ClinVar variation 4709965 (VCV004709965.1).
Genomic context (GRCh38, chr12:51,913,227, plus strand): 5'-CCTACCTGCCGGGGGGCCTGGTGCACAGTAGTGCTGGTGCGGGAGGAGGGGAGGCACCCC[CA>C]GGAACATCGGGGCTGCGGGAACTTGCACAGGGAGCTCTGCAGGGGGCGCCCCACCGAGTT-3'